The following is an entry in ClinVar:

NM_002047.4(GARS1):c.866G>A (p.Gly289Glu)

Gene: GARS1 (glycyl-tRNA synthetase 1; plus strand). Cytogenetic location: 7p14.3.
Variant type: single nucleotide variant.
Coding change: c.866G>A on transcript NM_002047.4 (MANE Select); coding-DNA position 866, G replaced by A.
Protein change: p.Gly289Glu; replaces glycine 289 with glutamic acid.
Molecular consequence: missense variant.
Genome position (GRCh38, 1-based): chr7:30,609,715, G>A. VCF-style: chr7-30609715-G-A. GRCh37 (hg19) VCF-style: chr7-30649331-G-A.
Other names: c.704G>A, p.Gly235Glu (NM_001316772.1); c.866G>A (LRG_243t1); short protein forms G289E, G235E.
Identifiers: ClinVar variation 476763 (VCV000476763.8), dbSNP rs1343637666, ClinGen allele CA367124681.

ClinVar aggregate classification (germline): Uncertain significance (1 of 4 stars; one submission).

Conditions:
Charcot-Marie-Tooth disease type 2. Also called: Charcot-Marie-Tooth type 2. Identifiers: Orphanet 64746, MedGen C0270914, MONDO:0018993.

Allele frequency attached by ClinVar (database versions not stated): gnomAD 0.00003; gnomAD exomes below 0.00001 and 0.00001; TOPMed 0.00001.
gnomAD v4.1: 7 of 1,613,610 alleles (0.00043%); highest among the groups gnomAD compares: Non-Finnish European, 0.00059%; no homozygotes.

Submission:

Labcorp Genetics (formerly Invitae), Labcorp
Classification: Uncertain significance for Charcot-Marie-Tooth disease type 2. Last evaluated: 2022-11-19. Review status: criteria provided, single submitter. Criteria: Invitae Variant Classification Sherloc (09022015). Collection method: clinical testing. Allele origin: germline.
Comment: In summary, the available evidence is currently insufficient to determine the role of this variant in disease. Therefore, it has been classified as a Variant of Uncertain Significance. Advanced modeling of protein sequence and biophysical properties (such as structural, functional, and spatial information, amino acid conservation, physicochemical variation, residue mobility, and thermodynamic stability) performed at Invitae indicates that this missense variant is not expected to disrupt GARS protein function. ClinVar contains an entry for this variant (Variation ID: 476763). This variant has not been reported in the literature in individuals affected with GARS-related conditions. This variant is present in population databases (no rsID available, gnomAD 0.0008%). This sequence change replaces glycine, which is neutral and non-polar, with glutamic acid, which is acidic and polar, at codon 289 of the GARS protein (p.Gly289Glu).